The following is an entry in ClinVar:

ClinVar aggregate classification (germline): Conflicting classifications of pathogenicity. Review status: criteria provided, conflicting classifications (1 of 4 stars). 4 submissions from 4 submitters: Pathogenic (2); Uncertain significance (1). 1 of the submissions does not count toward it. Last evaluated 2025-03-11.

Conditions:
Neurofibromatosis, type 1 (NF1). Also called: Peripheral type neurofibromatosis; VON RECKLINGHAUSEN DISEASE; NEUROFIBROMATOSIS, TYPE I, SOMATIC; Neurofibromatosis, type I. Identifiers: Orphanet 636, MedGen C0027831, MONDO:0018975, OMIM 162200. Disease mechanism: loss of function.
Hereditary cancer-predisposing syndrome. Also called: Tumor predisposition; Hereditary Cancer Syndrome; Neoplastic Syndromes, Hereditary; Hereditary neoplastic syndrome. Identifiers: Orphanet 140162, MedGen C0027672, MeSH D009386, MONDO:0015356.
Cardiovascular phenotype. Identifiers: MedGen CN230736.

Submissions (4):

Ambry Genetics
Classification: Uncertain significance for Cardiovascular phenotype; Hereditary cancer-predisposing syndrome. Last evaluated: 2025-03-11. Review status: criteria provided, single submitter. Criteria: Ambry Variant Classification Scheme 2023. Collection method: clinical testing. Allele origin: germline.
Comment: The p.N1430T variant (also known as c.4289A>C), located in coding exon 32 of the NF1 gene, results from an A to C substitution at nucleotide position 4289. The asparagine at codon 1430 is replaced by threonine, an amino acid with similar properties. This variant was reported in individual(s) with features consistent with neurofibromatosis type 1 (NF1) (De Luca A et al. Am J Hum Genet. 2005 Dec;77:1092-101). Other variant(s) at the same codon, p.N1430D (c.4288A>G) have been identified in individual(s) with features consistent with NF1 (Prada CE et al. Am J Med Genet A. 2011 Jun;155A:1360-6; Sabbagh A et al. Hum Mutat. 2013 Nov;34:1510-8; Evans DG et al. EBioMedicine. 2016 May;7:212-20; Santoro C et al. Am J Med Genet A. 2017 Jun;173:1521-1530). This amino acid position is highly conserved in available vertebrate species. In addition, the in silico prediction for this alteration is inconclusive. Since supporting evidence is limited at this time, the clinical significance of this alteration remains unclear.

Labcorp Genetics (formerly Invitae), Labcorp
Classification: Pathogenic for Neurofibromatosis, type 1. Last evaluated: 2022-03-29. Review status: criteria provided, single submitter. Criteria: Invitae Variant Classification Sherloc (09022015). Collection method: clinical testing. Allele origin: germline.
Comment: For these reasons, this variant has been classified as Pathogenic. This variant disrupts the p.Asn1430 amino acid residue in NF1. Other variant(s) that disrupt this residue have been determined to be pathogenic (PMID: 12787671, 21567923, 27322474, 28422438). This suggests that this residue is clinically significant, and that variants that disrupt this residue are likely to be disease-causing. Advanced modeling of protein sequence and biophysical properties (such as structural, functional, and spatial information, amino acid conservation, physicochemical variation, residue mobility, and thermodynamic stability) performed at Invitae indicates that this missense variant is expected to disrupt NF1 protein function. ClinVar contains an entry for this variant (Variation ID: 68348). This missense change has been observed in individuals with NF1-related conditions (PMID: 16380919; Invitae). This variant is not present in population databases (gnomAD no frequency). This sequence change replaces asparagine, which is neutral and polar, with threonine, which is neutral and polar, at codon 1430 of the NF1 protein (p.Asn1430Thr).

Center for Human Genetics, Inc
Classification: Pathogenic for Neurofibromatosis, type 1. Last evaluated: 2016-11-01. Review status: criteria provided, single submitter. Criteria: ACMG Guidelines, 2015. Collection method: clinical testing. Allele origin: germline. Affected: yes.

UniProtKB/Swiss-Prot
No classification provided. Review status: no classification provided. Collection method: not provided. Allele origin: not provided. Not counted in ClinVar's aggregate classification.

Literature cited by the submitters: PubMed 16380919 (cited by Ambry Genetics and Labcorp Genetics (formerly Invitae), Labcorp); PubMed 21567923 (cited by Ambry Genetics and Labcorp Genetics (formerly Invitae), Labcorp); PubMed 23913538 (cited by Ambry Genetics); PubMed 27322474 (cited by Ambry Genetics and Labcorp Genetics (formerly Invitae), Labcorp); PubMed 28422438 (cited by Ambry Genetics and Labcorp Genetics (formerly Invitae), Labcorp); PubMed 12787671 (cited by Labcorp Genetics (formerly Invitae), Labcorp).

NM_001042492.3(NF1):c.4352A>C (p.Asn1451Thr)

Gene: NF1 (neurofibromin 1; plus strand). Cytogenetic location: 17q11.2.
Variant type: single nucleotide variant.
Coding change: c.4352A>C on transcript NM_001042492.3 (MANE Select); coding-DNA position 4352, A replaced by C.
Protein change: p.Asn1451Thr; replaces asparagine 1451 with threonine.
Molecular consequence: missense variant.
Genome position (GRCh38, 1-based): chr17:31,259,051, A>C. VCF-style: chr17-31259051-A-C. GRCh37 (hg19) VCF-style: chr17-29586069-A-C.
Other names: c.4289A>C, p.Asn1430Thr (NM_000267.4); short protein forms N1430T, N1451T.
Identifiers: ClinVar variation 68348 (VCV000068348.9), dbSNP rs199474754, ClinGen allele CA219574.